The following is an entry in ClinVar:

NM_024996.7(GFM1):c.1133T>C (p.Leu378Pro)

Gene: GFM1 (G elongation factor mitochondrial 1; plus strand). Cytogenetic location: 3q25.32.
Variant type: single nucleotide variant.
Coding change: c.1133T>C on transcript NM_024996.7 (MANE Select); coding-DNA position 1133, T replaced by C.
Protein change: p.Leu378Pro; replaces leucine 378 with proline.
Molecular consequence: missense variant. On other transcripts: non-coding transcript variant (4), intron variant (1).
Genome position (GRCh38, 1-based): chr3:158,658,971, T>C. VCF-style: chr3-158658971-T-C. GRCh37 (hg19) VCF-style: chr3-158376760-T-C.
Other names: c.1190T>C, p.Leu397Pro (NM_001308164.2); c.1133T>C, p.Leu378Pro (NM_001308166.2); c.1016T>C, p.Leu339Pro (NM_001374356.1); c.908T>C, p.Leu303Pro (NM_001374357.1); c.674T>C, p.Leu225Pro (NM_001374358.1); c.566T>C, p.Leu189Pro (NM_001374359.1, NM_001374360.1); c.449T>C, p.Leu150Pro (NM_001374361.1); c.1141-1903T>C (NM_001374355.1); short protein forms L150P, L189P, L225P, L303P, L339P, L378P, L397P.
Identifiers: ClinVar variation 4685218 (VCV004685218.1).

ClinVar aggregate classification (germline): Uncertain significance (1 of 4 stars; one submission).

gnomAD v4.1: 2 of 1,614,120 alleles (0.00012%); highest among the groups gnomAD compares: Non-Finnish European, 0.00017%; no homozygotes.

Submission:

GeneDx
Classification: Uncertain significance. Last evaluated: 2025-07-07. Review status: criteria provided, single submitter. Criteria: GeneDx Variant Classification Process June 2021. Collection method: clinical testing. Allele origin: germline. Affected: yes.
Comment: Not observed at significant frequency in large population cohorts (gnomAD); In silico analysis supports that this missense variant has a deleterious effect on protein structure/function; Has not been previously published as pathogenic or benign to our knowledge